The following is an entry in ClinVar:

NM_016030.6(TRAPPC12):c.803C>T (p.Pro268Leu)

Gene: TRAPPC12 (trafficking protein particle complex subunit 12; plus strand). Cytogenetic location: 2p25.3.
Variant type: single nucleotide variant.
Coding change: c.803C>T on transcript NM_016030.6 (MANE Select); coding-DNA position 803, C replaced by T.
Protein change: p.Pro268Leu; replaces proline 268 with leucine.
Molecular consequence: missense variant.
Genome position (GRCh38, 1-based): chr2:3,388,426, C>T. VCF-style: chr2-3388426-C-T. GRCh37 (hg19) VCF-style: chr2-3392197-C-T.
Other names: c.803C>T, p.Pro268Leu (NM_001321102.2); c.803C>T (NM_016030.5); short protein forms P268L.
Identifiers: ClinVar variation 2168442 (VCV002168442.5), dbSNP rs548068716, ClinGen allele CA1515185.

ClinVar aggregate classification (germline): Uncertain significance. Review status: criteria provided, multiple submitters, no conflicts (2 of 4 stars). 2 submissions from 2 submitters: Uncertain significance (2). Last evaluated 2024-06-01.

Conditions:
Inborn genetic diseases. Identifiers: MedGen C0950123, MeSH D030342.

Allele frequency attached by ClinVar (database versions not stated): gnomAD exomes 0.00002; ExAC 0.00007; 1000 Genomes Project 30x 0.00016; 1000 Genomes Project 0.00020; TOPMed 0.00023; gnomAD 0.00030.
gnomAD v4.1: 78 of 1,606,636 alleles (0.0049%); highest among the groups gnomAD compares: African/African-American, 0.097%; no homozygotes.

Submissions (2):

Labcorp Genetics (formerly Invitae), Labcorp
Classification: Uncertain significance. Last evaluated: 2024-06-01. Review status: criteria provided, single submitter. Criteria: Invitae Variant Classification Sherloc (09022015). Collection method: clinical testing. Allele origin: germline.
Comment: This sequence change replaces proline, which is neutral and non-polar, with leucine, which is neutral and non-polar, at codon 268 of the TRAPPC12 protein (p.Pro268Leu). This variant is present in population databases (rs548068716, gnomAD 0.1%). This variant has not been reported in the literature in individuals affected with TRAPPC12-related conditions. ClinVar contains an entry for this variant (Variation ID: 2168442). Advanced modeling of protein sequence and biophysical properties (such as structural, functional, and spatial information, amino acid conservation, physicochemical variation, residue mobility, and thermodynamic stability) performed at Invitae indicates that this missense variant is not expected to disrupt TRAPPC12 protein function with a negative predictive value of 80%. In summary, the available evidence is currently insufficient to determine the role of this variant in disease. Therefore, it has been classified as a Variant of Uncertain Significance.

Ambry Genetics
Classification: Uncertain significance for Inborn genetic diseases. Last evaluated: 2021-09-15. Review status: criteria provided, single submitter. Criteria: Ambry Variant Classification Scheme 2023. Collection method: clinical testing. Allele origin: germline.